The following is an entry in ClinVar:

NM_016139.4(CHCHD2):c.242C>A (p.Thr81Asn)

Gene: CHCHD2 (coiled-coil-helix-coiled-coil-helix domain containing 2; minus strand). Cytogenetic location: 7p11.2.
Variant type: single nucleotide variant.
Coding change: c.242C>A on transcript NM_016139.4 (MANE Select); coding-DNA position 242, C replaced by A.
Protein change: p.Thr81Asn; replaces threonine 81 with asparagine.
Molecular consequence: missense variant.
Genome position (GRCh38, 1-based): chr7:56,104,284, G>T on the plus strand (C>A on the coding strand, the complement: CHCHD2 is on the minus strand). VCF-style: chr7-56104284-G-T. GRCh37 (hg19) VCF-style: chr7-56171977-G-T.
Other names: c.242C>A, p.Thr81Asn (NM_001320327.2); short protein forms T81N.
Identifiers: ClinVar variation 1401436 (VCV001401436.6), dbSNP rs759627902, ClinGen allele CA367612713.

ClinVar aggregate classification (germline): Uncertain significance (1 of 4 stars; one submission).

Allele frequency attached by ClinVar (database versions not stated): TOPMed below 0.00001; gnomAD 0.00001.
gnomAD v4.1: 1 of 1,613,744 alleles (0.000062%); highest among the groups gnomAD compares: Non-Finnish European, 0.000085%; no homozygotes.

Submission:

Labcorp Genetics (formerly Invitae), Labcorp
Classification: Uncertain significance. Last evaluated: 2021-11-26. Review status: criteria provided, single submitter. Criteria: Invitae Variant Classification Sherloc (09022015). Collection method: clinical testing. Allele origin: germline.
Comment: This sequence change replaces threonine, which is neutral and polar, with asparagine, which is neutral and polar, at codon 81 of the CHCHD2 protein (p.Thr81Asn). This variant is present in population databases (no rsID available, gnomAD 0.0009%). This variant has not been reported in the literature in individuals affected with CHCHD2-related conditions. Algorithms developed to predict the effect of missense changes on protein structure and function are either unavailable or do not agree on the potential impact of this missense change (SIFT: "Tolerated"; PolyPhen-2: "Probably Damaging"; Align-GVGD: "Class C0"). In summary, the available evidence is currently insufficient to determine the role of this variant in disease. Therefore, it has been classified as a Variant of Uncertain Significance.